The following is an entry in ClinVar:

ClinVar aggregate classification (germline): Conflicting classifications of pathogenicity. Review status: criteria provided, conflicting classifications (1 of 4 stars). 6 submissions from 6 submitters: Uncertain significance (4); Benign (1); Likely benign (1). Last evaluated 2025-10-24.

Conditions:
Ehlers-Danlos syndrome, classic type, 1 (EDSCL1). Also called: Ehlers-Danlos Syndrome, Classic Type, COL5A1-Related; EHLERS-DANLOS SYNDROME, GRAVIS TYPE; EHLERS-DANLOS SYNDROME, SEVERE CLASSIC TYPE; Ehlers-Danlos syndrome, type 1; EDS I. Identifiers: MedGen C0268335, MONDO:0019567, OMIM 130000.
Ehlers-Danlos syndrome, classic type (cEDS). Identifiers: Orphanet 287, MedGen C4225429, MONDO:0007522.
Familial thoracic aortic aneurysm and aortic dissection (TAAD). Also called: Thoracic aortic aneurysms and dissections. Identifiers: Orphanet 91387, MedGen C4707243, MONDO:0019625.

Allele frequency attached by ClinVar (database versions not stated): gnomAD exomes 0.00004 and 0.00006; gnomAD 0.00003; TOPMed 0.00003; ExAC 0.00006.
gnomAD v4.1: 61 of 1,608,538 alleles (0.0038%); highest among the groups gnomAD compares: African/African-American, 0.0027%; no homozygotes.

Submissions (6):

Labcorp Genetics (formerly Invitae), Labcorp
Classification: Benign for Ehlers-Danlos syndrome, classic type, 1. Last evaluated: 2025-10-24. Review status: criteria provided, single submitter. Criteria: Invitae Variant Classification Sherloc (09022015). Collection method: clinical testing. Allele origin: germline.

ARUP Laboratories, Molecular Genetics and Genomics, ARUP Laboratories
Classification: Uncertain significance. Last evaluated: 2025-01-29. Review status: criteria provided, single submitter. Criteria: ARUP Molecular Germline Variant Investigation Process 2024. Collection method: clinical testing. Allele origin: germline.
Comment: The COL5A1 c.4240G>A; p.Gly1414Ser variant (rs776709663), to our knowledge, is not reported in the medical literature but is reported in ClinVar (Variation ID: 212974). This variant is found in the Ashkenazi Jewish population with an allele frequency of 0.10% (10/9,680 alleles) in the Genome Aggregation Database (v2.1.1). This variant occurs in a conserved Gly-X-Y repeat and computational analyses predict that this variant is deleterious (REVEL: 0.709). Changes to glycine residues in Gly-X-Y motifs in triple helix domains are predicted to disrupt helix formation and are often disease-causing (Weerakkody 2016); however, the allele frequency in the Ashkenazi Jewish population frequency indicates this variant may tolerated. Due to limited and conflicting information, the clinical significance of this variant is uncertain at this time. References: Weerakkody RA et al. Targeted next-generation sequencing makes new molecular diagnoses and expands genotype-phenotype relationship in Ehlers-Danlos syndrome. Genet Med. 2016 Nov;18(11):1119-1127. PMID: 27011056.

Women's Health and Genetics/Laboratory Corporation of America, LabCorp
Classification: Likely benign. Last evaluated: 2024-09-29. Review status: criteria provided, single submitter. Criteria: LabCorp Variant Classification Summary - May 2015. Collection method: clinical testing. Allele origin: germline.

GeneDx
Classification: Uncertain significance. Last evaluated: 2023-06-12. Review status: criteria provided, single submitter. Criteria: GeneDx Variant Classification Process June 2021. Collection method: clinical testing. Allele origin: germline. Affected: yes.
Comment: Has not been previously published as pathogenic or benign to our knowledge; In silico analysis supports that this missense variant has a deleterious effect on protein structure/function; This variant is associated with the following publications: (PMID: 22696272)

Center for Human Genetics, Inc
Classification: Uncertain significance for Ehlers-Danlos syndrome, classic type, 1. Last evaluated: 2016-11-01. Review status: criteria provided, single submitter. Criteria: ACMG Guidelines, 2015. Collection method: clinical testing. Allele origin: germline. Affected: yes.

Ambry Genetics
Classification: Uncertain significance for Familial thoracic aortic aneurysm and aortic dissection. Last evaluated: 2016-05-25. Review status: criteria provided, single submitter. Criteria: Ambry Variant Classification Scheme 2023. Collection method: clinical testing. Allele origin: germline.
Comment: The p.G1414S variant (also known as c.4240G>A), located in coding exon 55 of the COL5A1 gene, results from a G to A substitution at nucleotide position 4240. The glycine at codon 1414 is replaced by serine, an amino acid with similar properties. Internal structural analysis indicates that this alteration disrupts the characteristic G-X-Y motif of the triple helical domain in the COL5A1 protein and inserts a bulky side chain into a sterically-constrained region (Bella J et al. Science. 1994;266:75-81; Hohenester E et al. Proc. Natl. Acad. Sci. U.S.A. 2008;105:18273-7; Ambry internal data). Glycine substitutions in the triple helical domain of COL5A1 have been reported in association with classic Ehlers-Danlos syndrome (cEDS), but the number of affected individuals is limited and several COL5A1 glycine substitutions in the triple helical domain (e.g., p.G1078A and p.G1414A) are too common for disease in population databases (Symoens S et al. Hum. Mutat., 2012 Oct;33:1485-93; Ritelli M et al. Orphanet J Rare Dis. 2013 Apr;8:58). Based on data from gnomAD, this alteration has a frequency of 0.1% (10/9680) in the Ashkenazi Jewish subpopulation, which is higher than expected for disease, but as this is a founder population, the possibility that this alteration represents a founder mutation cannot be eliminated. This amino acid position is highly conserved in available vertebrate species. In addition, this alteration is predicted to be probably damaging and deleterious by PolyPhen and SIFT in silico analyses, respectively. Since supporting evidence is limited at this time, the clinical significance of this alteration remains unclear.

NM_000093.5(COL5A1):c.4240G>A (p.Gly1414Ser)

Gene: COL5A1 (collagen type V alpha 1 chain; plus strand). Cytogenetic location: 9q34.3.
Variant type: single nucleotide variant.
Coding change: c.4240G>A on transcript NM_000093.5 (MANE Select); coding-DNA position 4240, G replaced by A.
Protein change: p.Gly1414Ser; replaces glycine 1414 with serine.
Molecular consequence: missense variant.
Genome position (GRCh38, 1-based): chr9:134,818,665, G>A. VCF-style: chr9-134818665-G-A. GRCh37 (hg19) VCF-style: chr9-137710511-G-A.
Other names: p.G1414S:GGC>AGC; c.4240G>A, p.Gly1414Ser (NM_001278074.1); short protein forms G1414S.
Identifiers: ClinVar variation 212974 (VCV000212974.22), dbSNP rs776709663, ClinGen allele CA322196.